The following is an entry in ClinVar:

NM_033026.6(PCLO):c.5727G>C (p.Lys1909Asn)

Gene: PCLO (piccolo presynaptic cytomatrix protein; minus strand). Cytogenetic location: 7q21.11.
Variant type: single nucleotide variant.
Coding change: c.5727G>C on transcript NM_033026.6 (MANE Select); coding-DNA position 5727, G replaced by C.
Protein change: p.Lys1909Asn; replaces lysine 1909 with asparagine.
Molecular consequence: missense variant.
Genome position (GRCh38, 1-based): chr7:82,955,226, C>G on the plus strand (G>C on the coding strand, the complement: PCLO is on the minus strand). VCF-style: chr7-82955226-C-G. GRCh37 (hg19) VCF-style: chr7-82584542-C-G.
Other names: c.5727G>C, p.Lys1909Asn (NM_014510.3); short protein forms K1909N.
Identifiers: ClinVar variation 1504970 (VCV001504970.8), dbSNP rs2116450324, ClinGen allele CA367923417.
Genomic context (GRCh38, chr7:82,955,226, plus strand): 5'-TTTGTATTTGTGTGTTTTATGCATCATTTCTTCATACATCTCCTCAGCACTTTTTAACGC[C>G]TTTTGGCTACCTTCTTTCTGCATAATAGATTGCTCATCTGTTGGTGAGTATAATGAAACA-3'
Protein context (NP_149015.2, residues 1899-1919): QSIMQKEGSQ[Lys1909Asn]ALKSAEEMYE

ClinVar aggregate classification (germline): Uncertain significance (1 of 4 stars; one submission).

Allele frequency attached by ClinVar (database versions not stated): gnomAD exomes below 0.00001.
gnomAD v4.1: 2 of 1,613,768 alleles (0.00012%); highest among the groups gnomAD compares: Non-Finnish European, 0.00017%; no homozygotes.

Submission:

Labcorp Genetics (formerly Invitae), Labcorp
Classification: Uncertain significance. Last evaluated: 2022-10-17. Review status: criteria provided, single submitter. Criteria: Invitae Variant Classification Sherloc (09022015). Collection method: clinical testing. Allele origin: germline.
Comment: In summary, the available evidence is currently insufficient to determine the role of this variant in disease. Therefore, it has been classified as a Variant of Uncertain Significance. This variant has not been reported in the literature in individuals affected with PCLO-related conditions. This sequence change replaces lysine, which is basic and polar, with asparagine, which is neutral and polar, at codon 1909 of the PCLO protein (p.Lys1909Asn). This variant is not present in population databases (gnomAD no frequency). ClinVar contains an entry for this variant (Variation ID: 1504970). Algorithms developed to predict the effect of missense changes on protein structure and function are either unavailable or do not agree on the potential impact of this missense change (SIFT: "Tolerated"; PolyPhen-2: "Not Available"; Align-GVGD: "Class C0").